The following is an entry in ClinVar:

ClinVar aggregate classification (germline): Uncertain significance. Review status: criteria provided, multiple submitters, no conflicts (2 of 4 stars). 3 submissions from 3 submitters: Uncertain significance (3). Last evaluated 2025-08-20.

Conditions:
Juvenile polyposis syndrome (JPS). Identifiers: Orphanet 2929, MedGen C0345893, MONDO:0017380, OMIM 174900.
Hereditary cancer-predisposing syndrome. Also called: Hereditary neoplastic syndrome; Hereditary Cancer Syndrome; Neoplastic Syndromes, Hereditary; Tumor predisposition. Identifiers: Orphanet 140162, MedGen C0027672, MeSH D009386, MONDO:0015356.

Submissions (3):

Ambry Genetics
Classification: Uncertain significance for Hereditary cancer-predisposing syndrome. Last evaluated: 2025-08-20. Review status: criteria provided, single submitter. Criteria: Ambry Variant Classification Scheme 2023. Collection method: clinical testing. Allele origin: germline.
Comment: The p.T391I variant (also known as c.1172C>T), located in coding exon 9 of the BMPR1A gene, results from a C to T substitution at nucleotide position 1172. The threonine at codon 391 is replaced by isoleucine, an amino acid with similar properties. This amino acid position is conserved. In addition, this alteration is predicted to be deleterious by in silico analysis. Based on the available evidence, the clinical significance of this variant remains unclear.

All of Us Research Program, National Institutes of Health
Classification: Uncertain significance for Juvenile polyposis syndrome. Last evaluated: 2024-04-25. Review status: criteria provided, single submitter. Criteria: ACMG Guidelines, 2015. Collection method: clinical testing. Allele origin: germline. Inheritance: Autosomal dominant inheritance. Observed: 1 variant allele, 1 heterozygote.
Comment: This missense variant replaces threonine with isoleucine at codon 391 of the BMPR1A protein. Computational prediction is inconclusive regarding the impact of this variant on protein structure and function (internally defined REVEL score threshold 0.5 < inconclusive < 0.7, PMID: 27666373). To our knowledge, functional studies have not been reported for this variant. This variant has not been reported in individuals affected with BMPR1A-related disorders in the literature. This variant has not been identified in the general population by the Genome Aggregation Database (gnomAD). The available evidence is insufficient to determine the role of this variant in disease conclusively. Therefore, this variant is classified as a Variant of Uncertain Significance.

This study involves interpretation of variants in research participants for the purpose of population health screening. Participant phenotype was not available at the time of variant classification. Additional details can be found in publication PMID: 35346344, PMCID: PMC8962531

Labcorp Genetics (formerly Invitae), Labcorp
Classification: Uncertain significance for Juvenile polyposis syndrome. Last evaluated: 2023-09-25. Review status: criteria provided, single submitter. Criteria: Invitae Variant Classification Sherloc (09022015). Collection method: clinical testing. Allele origin: germline.
Comment: This sequence change replaces threonine, which is neutral and polar, with isoleucine, which is neutral and non-polar, at codon 391 of the BMPR1A protein (p.Thr391Ile). This variant is not present in population databases (gnomAD no frequency). This variant has not been reported in the literature in individuals affected with BMPR1A-related conditions. Advanced modeling of protein sequence and biophysical properties (such as structural, functional, and spatial information, amino acid conservation, physicochemical variation, residue mobility, and thermodynamic stability) performed at Invitae indicates that this missense variant is not expected to disrupt BMPR1A protein function. In summary, the available evidence is currently insufficient to determine the role of this variant in disease. Therefore, it has been classified as a Variant of Uncertain Significance.

NM_004329.3(BMPR1A):c.1172C>T (p.Thr391Ile)

Gene: BMPR1A (bone morphogenetic protein receptor type 1A; plus strand). Cytogenetic location: 10q23.2.
Variant type: single nucleotide variant.
Coding change: c.1172C>T on transcript NM_004329.3 (MANE Select); coding-DNA position 1172, C replaced by T.
Protein change: p.Thr391Ile; replaces threonine 391 with isoleucine.
Molecular consequence: missense variant. On other transcripts: non-coding transcript variant (3).
Genome position (GRCh38, 1-based): chr10:86,921,525, C>T. VCF-style: chr10-86921525-C-T. GRCh37 (hg19) VCF-style: chr10-88681282-C-T.
Other names: c.1247C>T, p.Thr416Ile (NM_001406559.1); c.1220C>T, p.Thr407Ile (NM_001406560.1); c.1172C>T, p.Thr391Ile (NM_001406561.1, NM_001406562.1, NM_001406563.1 and 19 more transcripts); c.1166C>T, p.Thr389Ile (NM_001406583.1); c.1088C>T, p.Thr363Ile (NM_001406584.1, NM_001406585.1, NM_001406586.1 and 2 more transcripts); c.830C>T, p.Thr277Ile (NM_001406589.1); short protein forms T277I, T389I, T391I, T363I, T407I, T416I.
Identifiers: ClinVar variation 2763186 (VCV002763186.5), dbSNP rs1589292560, ClinGen allele CA377461824.